The following is an entry in ClinVar:

ClinVar aggregate classification (germline): Conflicting classifications of pathogenicity. Review status: criteria provided, conflicting classifications (1 of 4 stars). 2 submissions from 2 submitters: Likely pathogenic (1); Uncertain significance (1). Last evaluated 2024-07-08.

Conditions:
Pheochromocytoma. Also called: MAX-Related Hereditary Paraganglioma-Pheochromocytoma Syndrome. Identifiers: Orphanet 29072, MedGen C0031511, MONDO:0008233, OMIM 171300, HP:0002666.
Gastrointestinal stromal tumor. Also called: Gastrointestinal stromal tumor, somatic; Gastrointestinal stroma tumor. Identifiers: Orphanet 44890, MedGen C0238198, MeSH D046152, MONDO:0011719, OMIM 606764, HP:0100723.
Pheochromocytoma/paraganglioma syndrome 4. Also called: CAROTID BODY TUMORS AND MULTIPLE EXTRAADRENAL PHEOCHROMOCYTOMAS; PARAGANGLIOMA, FAMILIAL MALIGNANT; PARAGANGLIOMAS, HEREDITARY EXTRAADRENAL; PHEOCHROMOCYTOMA, FAMILIAL EXTRAADRENAL; Paragangliomas 4; SDHB-Related Hereditary Paraganglioma-Pheochromocytoma Syndrome (Paragangliomas 4). Identifiers: Orphanet 29072, MedGen C1861848, MONDO:0007273, OMIM 115310.
Hereditary cancer-predisposing syndrome. Also called: Neoplastic Syndromes, Hereditary; Hereditary neoplastic syndrome; Tumor predisposition; Hereditary Cancer Syndrome. Identifiers: Orphanet 140162, MedGen C0027672, MeSH D009386, MONDO:0015356.

Submissions (2):

Ambry Genetics
Classification: Likely pathogenic for Hereditary cancer-predisposing syndrome. Last evaluated: 2024-07-08. Review status: criteria provided, single submitter. Criteria: Ambry Variant Classification Scheme 2023. Collection method: clinical testing. Allele origin: germline.
Comment: The p.P254R variant (also known as c.761C>G), located in coding exon 7 of the SDHB gene, results from a C to G substitution at nucleotide position 761. The proline at codon 254 is replaced by arginine, an amino acid with dissimilar properties. This variant has been observed in at least one individual with a personal and/or family history that is consistent with SDHB-related paraganglioma-pheochromocytoma syndrome (external communication). This variant is considered to be rare based on population cohorts in the Genome Aggregation Database (gnomAD). This amino acid position is highly conserved in available vertebrate species. In addition, this alteration is predicted to be deleterious by in silico analysis. Based on the majority of available evidence to date, this variant is likely to be pathogenic.

Labcorp Genetics (formerly Invitae), Labcorp
Classification: Uncertain significance for Gastrointestinal stromal tumor; Pheochromocytoma/paraganglioma syndrome 4; Pheochromocytoma. Last evaluated: 2023-05-11. Review status: criteria provided, single submitter. Criteria: Invitae Variant Classification Sherloc (09022015). Collection method: clinical testing. Allele origin: germline.
Comment: In summary, the available evidence is currently insufficient to determine the role of this variant in disease. Therefore, it has been classified as a Variant of Uncertain Significance. Advanced modeling of protein sequence and biophysical properties (such as structural, functional, and spatial information, amino acid conservation, physicochemical variation, residue mobility, and thermodynamic stability) performed at Invitae indicates that this missense variant is expected to disrupt SDHB protein function. This variant has not been reported in the literature in individuals affected with SDHB-related conditions. This variant is not present in population databases (gnomAD no frequency). This sequence change replaces proline, which is neutral and non-polar, with arginine, which is basic and polar, at codon 254 of the SDHB protein (p.Pro254Arg).

NM_003000.3(SDHB):c.761C>G (p.Pro254Arg)

Gene: SDHB (succinate dehydrogenase complex iron sulfur subunit B; minus strand). Cytogenetic location: 1p36.13.
Variant type: single nucleotide variant.
Coding change: c.761C>G on transcript NM_003000.3 (MANE Select); coding-DNA position 761, C replaced by G.
Protein change: p.Pro254Arg; replaces proline 254 with arginine.
Molecular consequence: missense variant.
Genome position (GRCh38, 1-based): chr1:17,022,612, G>C on the plus strand (C>G on the coding strand, the complement: SDHB is on the minus strand). VCF-style: chr1-17022612-G-C. GRCh37 (hg19) VCF-style: chr1-17349107-G-C.
Other names: c.707C>G, p.Pro236Arg (NM_001407361.1); short protein forms P236R, P254R.
Identifiers: ClinVar variation 2947609 (VCV002947609.4), dbSNP rs948484408, ClinGen allele CA338269968.